The following is an entry in ClinVar:

ClinVar aggregate classification (germline): Likely pathogenic (1 of 4 stars; one submission).

Conditions:
Left ventricular noncompaction 7 (LVNC7). Identifiers: Orphanet 54260, MedGen C3554496, MONDO:0014042, OMIM 615092.

Submission:

Institute of Immunology and Genetics Kaiserslautern
Classification: Likely pathogenic for Left ventricular noncompaction 7. Last evaluated: 2022-08-15. Review status: criteria provided, single submitter. Criteria: ACMG Guidelines, 2015. Collection method: clinical testing. Allele origin: germline. Affected: yes.
Comment: ACMG Criteria: PVS1, PM2, PP3; Variant was found in heterozygous state.

NM_020774.4(MIB1):c.2779+2dup

Gene: MIB1 (MIB E3 ubiquitin protein ligase 1; plus strand). Cytogenetic location: 18q11.2.
Variant type: Duplication.
Coding change: c.2779+2dup on transcript NM_020774.4 (MANE Select); the canonical splice donor site of the intron after coding-DNA position 2779, one base duplicated (T; older notation c.2779+2dupT).
Molecular consequence: splice donor variant.
Genome position (GRCh38, 1-based): chr18:21,857,245, T duplicated. VCF-style (leftmost placement, unchanged base first): chr18-21857244-G-GT. GRCh37 (hg19) VCF-style: chr18-19437205-G-GT.
Identifiers: ClinVar variation 3366937 (VCV003366937.1).